The following is an entry in ClinVar:

NM_138694.4(PKHD1):c.11307G>T (p.Glu3769Asp)

Gene: PKHD1 (PKHD1 ciliary IPT domain containing fibrocystin/polyductin; minus strand). Cytogenetic location: 6p12.3.
Variant type: single nucleotide variant.
Coding change: c.11307G>T on transcript NM_138694.4 (MANE Select); coding-DNA position 11307, G replaced by T.
Protein change: p.Glu3769Asp; replaces glutamic acid 3769 with aspartic acid.
Molecular consequence: missense variant.
Genome position (GRCh38, 1-based): chr6:51,649,088, C>A on the plus strand (G>T on the coding strand, the complement: PKHD1 is on the minus strand). VCF-style: chr6-51649088-C-A. GRCh37 (hg19) VCF-style: chr6-51513886-C-A.
Other names: short protein forms E3769D.
Identifiers: ClinVar variation 1442528 (VCV001442528.5), dbSNP rs1489049173, ClinGen allele CA364425674.

ClinVar aggregate classification (germline): Uncertain significance (1 of 4 stars; one submission).

Conditions:
Autosomal recessive polycystic kidney disease (ARPKD). Also called: AR polycystic kidney disease. Identifiers: Orphanet 731, Orphanet 8378, MedGen C0085548, MeSH D017044, MONDO:0009889.

Allele frequency attached by ClinVar (database versions not stated): TOPMed below 0.00001.

Submission:

Labcorp Genetics (formerly Invitae), Labcorp
Classification: Uncertain significance for Autosomal recessive polycystic kidney disease. Last evaluated: 2021-08-26. Review status: criteria provided, single submitter. Criteria: Invitae Variant Classification Sherloc (09022015). Collection method: clinical testing. Allele origin: germline.
Comment: This sequence change replaces glutamic acid with aspartic acid at codon 3769 of the PKHD1 protein (p.Glu3769Asp). The glutamic acid residue is weakly conserved and there is a small physicochemical difference between glutamic acid and aspartic acid. This variant is not present in population databases (ExAC no frequency). This variant has not been reported in the literature in individuals affected with PKHD1-related conditions. Advanced modeling of protein sequence and biophysical properties (such as structural, functional, and spatial information, amino acid conservation, physicochemical variation, residue mobility, and thermodynamic stability) performed at Invitae indicates that this missense variant is not expected to disrupt PKHD1 protein function. In summary, the available evidence is currently insufficient to determine the role of this variant in disease. Therefore, it has been classified as a Variant of Uncertain Significance.